The following is an entry in ClinVar:

NM_006922.4(SCN3A):c.3669G>T (p.Leu1223Phe)

Gene: SCN3A (sodium voltage-gated channel alpha subunit 3; minus strand). Cytogenetic location: 2q24.3.
Variant type: single nucleotide variant.
Coding change: c.3669G>T on transcript NM_006922.4 (MANE Select); coding-DNA position 3669, G replaced by T.
Protein change: p.Leu1223Phe; replaces leucine 1223 with phenylalanine.
Molecular consequence: missense variant.
Genome position (GRCh38, 1-based): chr2:165,113,816, C>A on the plus strand (G>T on the coding strand, the complement: SCN3A is on the minus strand). VCF-style: chr2-165113816-C-A. GRCh37 (hg19) VCF-style: chr2-165970326-C-A.
Other names: c.3522G>T, p.Leu1174Phe (NM_001081676.2, NM_001081677.2); short protein forms L1174F, L1223F.
Identifiers: ClinVar variation 4716875 (VCV004716875.1).

ClinVar aggregate classification (germline): Uncertain significance (1 of 4 stars; one submission).

Submission:

Labcorp Genetics (formerly Invitae), Labcorp
Classification: Uncertain significance. Last evaluated: 2025-04-08. Review status: criteria provided, single submitter. Criteria: Invitae Variant Classification Sherloc (09022015). Collection method: clinical testing. Allele origin: germline.
Comment: This sequence change replaces leucine, which is neutral and non-polar, with phenylalanine, which is neutral and non-polar, at codon 1223 of the SCN3A protein (p.Leu1223Phe). This variant also falls at the last nucleotide of exon 20, which is part of the consensus splice site for this exon. This variant is not present in population databases (gnomAD no frequency). This variant has not been reported in the literature in individuals affected with SCN3A-related conditions. An algorithm developed to predict the effect of missense changes on protein structure and function (PolyPhen-2) suggests that this variant is likely to be disruptive. Variants that disrupt the consensus splice site are a relatively common cause of aberrant splicing (PMID: 17576681, 9536098). Algorithms developed to predict the effect of sequence changes on RNA splicing suggest that this variant may disrupt the consensus splice site. In summary, the available evidence is currently insufficient to determine the role of this variant in disease. Therefore, it has been classified as a Variant of Uncertain Significance.

Literature cited by the submitters: PubMed 17576681; PubMed 9536098.